The following is an entry in ClinVar:

NM_000179.3(MSH6):c.-87A>C

Genes: MSH6 (mutS homolog 6; plus strand), LOC129933706 (ATAC-STARR-seq lymphoblastoid silent region 11467; plus strand). Cytogenetic location: 2p16.3.
Variant type: single nucleotide variant.
Coding change: c.-87A>C on transcript NM_000179.3 (MANE Select); 87 bases upstream of the start codon, A replaced by C.
Molecular consequence: 5 prime UTR variant. On other transcripts: non-coding transcript variant (5).
Genome position (GRCh38, 1-based): chr2:47,783,147, A>C. VCF-style: chr2-47783147-A-C. GRCh37 (hg19) VCF-style: chr2-48010286-A-C.
Other names: c.-87A>C (NM_001281492.2, NM_001406795.1, NM_001406796.1 and 9 more transcripts); c.-823A>C (NM_001281493.2, NM_001406811.1); c.-122A>C (NM_001406797.1, NM_001406801.1, NM_001406805.1); c.-415A>C (NM_001406799.1); c.-142A>C (NM_001406804.1); c.-153A>C (NM_001406806.1); c.-1015A>C (NM_001406807.1); c.-670A>C (NM_001406812.1); and 3 more.
Identifiers: ClinVar variation 4885370 (VCV004885370.2).

ClinVar aggregate classification (germline): Uncertain significance (1 of 4 stars; one submission).

gnomAD v4.1: 3 of 1,571,474 alleles (0.00019%); highest among the groups gnomAD compares: Admixed American, 0.0017%; no homozygotes.

Submission:

Dasa
Classification: Uncertain significance. Last evaluated: 2025-04-24. Review status: criteria provided, single submitter. Criteria: DASA Assertion Criteria. Collection method: clinical testing. Allele origin: germline.
Comment: NM_000179.3(MSH6):c.-87A>C is an intronic variant. This variant is rare in population databases. The currently available literature and clinical evidence are not sufficient to establish a definitive association between this variant and the reported condition. Therefore, this variant is classified as a variant of uncertain significance.